The following is an entry in ClinVar:

ClinVar aggregate classification (germline): Uncertain significance (1 of 4 stars; one submission).

gnomAD v4.1: 35 of 1,613,066 alleles (0.0022%); highest among the groups gnomAD compares: Non-Finnish European, 0.0028%; no homozygotes.

Submission:

Labcorp Genetics (formerly Invitae), Labcorp
Classification: Uncertain significance. Last evaluated: 2024-11-05. Review status: criteria provided, single submitter. Criteria: Invitae Variant Classification Sherloc (09022015). Collection method: clinical testing. Allele origin: germline.
Comment: This sequence change replaces alanine, which is neutral and non-polar, with threonine, which is neutral and polar, at codon 1468 of the LAMB1 protein (p.Ala1468Thr). This variant is present in population databases (rs764447845, gnomAD 0.007%). This variant has not been reported in the literature in individuals affected with LAMB1-related conditions. An algorithm developed to predict the effect of missense changes on protein structure and function (PolyPhen-2) suggests that this variant is likely to be disruptive. In summary, the available evidence is currently insufficient to determine the role of this variant in disease. Therefore, it has been classified as a Variant of Uncertain Significance.

NM_002291.3(LAMB1):c.4402G>A (p.Ala1468Thr)

Gene: LAMB1 (laminin subunit beta 1; minus strand). Cytogenetic location: 7q31.1.
Variant type: single nucleotide variant.
Coding change: c.4402G>A on transcript NM_002291.3 (MANE Select); coding-DNA position 4402, G replaced by A.
Protein change: p.Ala1468Thr; replaces alanine 1468 with threonine.
Molecular consequence: missense variant.
Genome position (GRCh38, 1-based): chr7:107,931,491, C>T on the plus strand (G>A on the coding strand, the complement: LAMB1 is on the minus strand). VCF-style: chr7-107931491-C-T. GRCh37 (hg19) VCF-style: chr7-107571936-C-T.
Other names: short protein forms A1468T.
Identifiers: ClinVar variation 3614121 (VCV003614121.2).
Genomic context (GRCh38, chr7:107,931,491, plus strand): 5'-CATTTGTCTTCAACAGAATGTCTTCAGCACTTTGTTTTGCCTCATCTGCCCTCAGTTTTG[C>T]TTCAGAGACCTAAATATGAAGAATAAATTACCCAGGGAAGACTTTCATTCTTTCTAAAGG-3'
Protein context (NP_002282.2, residues 1458-1478): VEQLSKMVSE[Ala1468Thr]KLRADEAKQS